The following is an entry in ClinVar:

NM_001164508.2(NEB):c.6479A>G (p.Asn2160Ser)

Gene: NEB (nebulin; minus strand). Cytogenetic location: 2q23.3.
Variant type: single nucleotide variant.
Coding change: c.6479A>G on transcript NM_001164508.2 (MANE Select); coding-DNA position 6479, A replaced by G.
Protein change: p.Asn2160Ser; replaces asparagine 2160 with serine.
Molecular consequence: missense variant.
Genome position (GRCh38, 1-based): chr2:151,656,169, T>C on the plus strand (A>G on the coding strand, the complement: NEB is on the minus strand). VCF-style: chr2-151656169-T-C. GRCh37 (hg19) VCF-style: chr2-152512683-T-C.
Other names: c.6479A>G, p.Asn2160Ser (NM_001164507.2, NM_001271208.2, NM_004543.5); c.6479A>G (NM_004543.4); short protein forms N2160S.
Identifiers: ClinVar variation 972009 (VCV000972009.13), dbSNP rs774148469, ClinGen allele CA1910095.

ClinVar aggregate classification (germline): Conflicting classifications of pathogenicity. Review status: criteria provided, conflicting classifications (1 of 4 stars). 5 submissions from 5 submitters: Uncertain significance (3); Likely benign (1). 1 of the submissions does not count toward it. Last evaluated 2025-08-01.

Conditions:
Inborn genetic diseases. Identifiers: MedGen C0950123, MeSH D030342.
Nemaline myopathy 2 (NEM2). Also called: Nemaline myopathy 2, autosomal recessive. Identifiers: MedGen C1850569, MONDO:0009725, OMIM 256030.

Allele frequency attached by ClinVar (database versions not stated): gnomAD 0.00001; gnomAD exomes 0.00001 and 0.00002; ExAC 0.00003.
gnomAD v4.1: 35 of 1,595,766 alleles (0.0022%); highest among the groups gnomAD compares: Admixed American, 0.0034%; no homozygotes.

Submissions (5):

Labcorp Genetics (formerly Invitae), Labcorp
Classification: Likely benign for Nemaline myopathy 2. Last evaluated: 2025-08-01. Review status: criteria provided, single submitter. Criteria: Invitae Variant Classification Sherloc (09022015). Collection method: clinical testing. Allele origin: germline.

GeneDx
Classification: Uncertain significance. Last evaluated: 2024-12-30. Review status: criteria provided, single submitter. Criteria: GeneDx Variant Classification Process June 2021. Collection method: clinical testing. Allele origin: germline. Affected: yes.
Comment: Not observed at significant frequency in large population cohorts (gnomAD); In silico analysis indicates that this missense variant does not alter protein structure/function; Has not been previously published as pathogenic or benign to our knowledge

Revvity Omics, Revvity
Classification: Uncertain significance. Last evaluated: 2024-05-22. Review status: criteria provided, single submitter. Criteria: ACMG Guidelines, 2015. Collection method: clinical testing. Allele origin: germline.

Ambry Genetics
Classification: Uncertain significance for Inborn genetic diseases. Last evaluated: 2023-12-28. Review status: criteria provided, single submitter. Criteria: Ambry Variant Classification Scheme 2023. Collection method: clinical testing. Allele origin: germline.

Natera, Inc.
Classification: Uncertain significance for Nemaline myopathy type 2. Last evaluated: 2020-05-21. Review status: no assertion criteria provided. Collection method: clinical testing. Allele origin: germline. Not counted in ClinVar's aggregate classification.